The following is an entry in ClinVar:

ClinVar aggregate classification (germline): Uncertain significance. Review status: criteria provided, multiple submitters, no conflicts (2 of 4 stars). 2 submissions from 2 submitters: Uncertain significance (2). Last evaluated 2025-08-06.

Conditions:
Cardiovascular phenotype. Identifiers: MedGen CN230736.
Hereditary cancer-predisposing syndrome. Also called: Neoplastic Syndromes, Hereditary; Tumor predisposition; Hereditary Cancer Syndrome; Hereditary neoplastic syndrome. Identifiers: Orphanet 140162, MedGen C0027672, MeSH D009386, MONDO:0015356.
Neurofibromatosis, type 1 (NF1). Also called: NEUROFIBROMATOSIS, TYPE I, SOMATIC; Neurofibromatosis, type I; VON RECKLINGHAUSEN DISEASE; Peripheral type neurofibromatosis. Identifiers: Orphanet 636, MedGen C0027831, MONDO:0018975, OMIM 162200. Disease mechanism: loss of function.

Submissions (2):

Labcorp Genetics (formerly Invitae), Labcorp
Classification: Uncertain significance for Neurofibromatosis, type 1. Last evaluated: 2025-08-06. Review status: criteria provided, single submitter. Criteria: Invitae Variant Classification Sherloc (09022015). Collection method: clinical testing. Allele origin: germline.
Comment: This sequence change replaces serine, which is neutral and polar, with arginine, which is basic and polar, at codon 146 of the NF1 protein (p.Ser146Arg). This variant is not present in population databases (gnomAD no frequency). This variant has not been reported in the literature in individuals affected with NF1-related conditions. ClinVar contains an entry for this variant (Variation ID: 4017489). Invitae Evidence Modeling of protein sequence and biophysical properties (such as structural, functional, and spatial information, amino acid conservation, physicochemical variation, residue mobility, and thermodynamic stability) indicates that this missense variant is expected to disrupt NF1 protein function with a positive predictive value of 95%. In summary, the available evidence is currently insufficient to determine the role of this variant in disease. Therefore, it has been classified as a Variant of Uncertain Significance.

Ambry Genetics
Classification: Uncertain significance for Cardiovascular phenotype; Hereditary cancer-predisposing syndrome. Last evaluated: 2025-03-30. Review status: criteria provided, single submitter. Criteria: Ambry Variant Classification Scheme 2023. Collection method: clinical testing. Allele origin: germline.
Comment: The p.S146R variant (also known as c.438C>G), located in coding exon 4 of the NF1 gene, results from a C to G substitution at nucleotide position 438. The serine at codon 146 is replaced by arginine, an amino acid with dissimilar properties. This amino acid position is conserved. In addition, this alteration is predicted to be deleterious by in silico analysis. Based on the available evidence, the clinical significance of this variant remains unclear.

NM_001042492.3(NF1):c.438C>G (p.Ser146Arg)

Gene: NF1 (neurofibromin 1; plus strand). Cytogenetic location: 17q11.2.
Variant type: single nucleotide variant.
Coding change: c.438C>G on transcript NM_001042492.3 (MANE Select); coding-DNA position 438, C replaced by G.
Protein change: p.Ser146Arg; replaces serine 146 with arginine.
Molecular consequence: missense variant.
Genome position (GRCh38, 1-based): chr17:31,163,335, C>G. VCF-style: chr17-31163335-C-G. GRCh37 (hg19) VCF-style: chr17-29490353-C-G.
Other names: c.438C>G, p.Ser146Arg (NM_000267.4, NM_001128147.3); short protein forms S146R.
Identifiers: ClinVar variation 4017489 (VCV004017489.2).